The following is an entry in ClinVar:

NM_003884.4(KAT2B):c.2157_2161del5

Gene: KAT2B (lysine acetyltransferase 2B; plus strand). Cytogenetic location: 3p24.3.
Variant type: Deletion.
Coding change: c.2157_2161del5 on transcript NM_003884.4; coding-DNA positions 2157 to 2161, 5 bases deleted (TAAAG; older notation c.2157_2161del5TAAAG).
Genome position (GRCh38, 1-based): chr3:20,148,243-20,148,247, TAAAG deleted; deleting any 5 consecutive bases within chr3:20,148,240-20,148,247 gives the same sequence; the c. name uses the placement nearest the transcript's 3' end. VCF-style (leftmost placement, unchanged base first): chr3-20148239-CAAGTA-C. GRCh37 (hg19) VCF-style: chr3-20189731-CAAGTA-C.
Identifiers: ClinVar variation 4984588 (VCV004984588.1).

ClinVar aggregate classification (germline): Uncertain significance (1 of 4 stars; one submission).

Conditions:
KAT2B-related disorder. Also called: KAT2B-related condition.

Submission:

PreventionGenetics, part of Exact Sciences
Classification: Uncertain significance for KAT2B-related condition. Last evaluated: 2025-08-05. Review status: criteria provided, single submitter. Criteria: ACMG Guidelines, 2015. Collection method: clinical testing. Allele origin: germline.
Comment: The KAT2B c.2157_2161del5 variant is predicted to result in a frameshift and premature protein termination (p.Ser719Argfs*7). To our knowledge, this variant has not been reported in the literature or in a large population database (gnomAD), indicating this variant is rare. At this time, the clinical significance of this variant is uncertain due to the absence of conclusive functional and genetic evidence.